The following is an entry in ClinVar:

ClinVar aggregate classification (germline): Benign (1 of 4 stars; one submission).

Conditions:
Congenital myasthenic syndrome 12 (CMS12). Also called: MYASTHENIC SYNDROME, CONGENITAL, WITH TUBULAR AGGREGATES 1; Myasthenia, congenital, 12, with tubular aggregates. Identifiers: Orphanet 353327, Orphanet 590, MedGen C3552335, MONDO:0012518, OMIM 610542.

Allele frequency attached by ClinVar (database versions not stated): gnomAD 0.02282 and 0.02428; TOPMed 0.02629; 1000 Genomes Project 0.02756; 1000 Genomes Project 30x 0.03154.

Submission:

Illumina Laboratory Services, Illumina
Classification: Benign for Congenital myasthenic syndrome 12. Last evaluated: 2018-01-12. Review status: criteria provided, single submitter. Criteria: ICSL Variant Classification Criteria 13 December 2019. Collection method: clinical testing. Allele origin: germline.
Comment: This variant was observed in the ICSL laboratory as part of a predisposition screen in an ostensibly healthy population. It had not been previously curated by ICSL or reported in the Human Gene Mutation Database (HGMD: prior to June 1st, 2018), and was therefore a candidate for classification through an automated scoring system. Utilizing variant allele frequency, disease prevalence and penetrance estimates, and inheritance mode, an automated score was calculated to assess if this variant is too frequent to cause the disease. Based on the score and internal cut-off values, a variant classified as benign is not then subjected to further curation. The score for this variant resulted in a classification of benign for this disease.

NM_001244710.2(GFPT1):c.*1244G>T

Gene: GFPT1 (glutamine--fructose-6-phosphate transaminase 1; minus strand). Cytogenetic location: 2p13.3.
Variant type: single nucleotide variant.
Coding change: c.*1244G>T on transcript NM_001244710.2 (MANE Select); 1244 bases downstream of the stop codon, G replaced by T.
Molecular consequence: 3 prime UTR variant.
Genome position (GRCh38, 1-based): chr2:69,324,945, C>A on the plus strand (G>T on the coding strand, the complement: GFPT1 is on the minus strand). VCF-style: chr2-69324945-C-A. GRCh37 (hg19) VCF-style: chr2-69552077-C-A.
Other names: c.*1244G>T (NM_002056.4).
Identifiers: ClinVar variation 336851 (VCV000336851.5), dbSNP rs73937246, ClinGen allele CA10615776.